The following is an entry in ClinVar:

NM_001195263.2(PDZD7):c.958C>T (p.Pro320Ser)

Gene: PDZD7 (PDZ domain containing 7; minus strand). Cytogenetic location: 10q24.31.
Variant type: single nucleotide variant.
Coding change: c.958C>T on transcript NM_001195263.2 (MANE Select); coding-DNA position 958, C replaced by T.
Protein change: p.Pro320Ser; replaces proline 320 with serine.
Molecular consequence: missense variant.
Genome position (GRCh38, 1-based): chr10:101,019,188, G>A on the plus strand (C>T on the coding strand, the complement: PDZD7 is on the minus strand). VCF-style: chr10-101019188-G-A. GRCh37 (hg19) VCF-style: chr10-102778945-G-A.
Other names: c.958C>T, p.Pro320Ser (NM_001351044.2, NM_024895.5); short protein forms P320S.
Identifiers: ClinVar variation 1505706 (VCV001505706.4), dbSNP rs760413315, ClinGen allele CA5654191.
Genomic context (GRCh38, chr10:101,019,188, plus strand): 5'-CCGAGCTGTAGGGGGCGCTGGAGGCGCACGAAGAGACGCTGGAGCTGCTCTCAGAGGCCG[G>A]GGACAGCTGCTGCAGCACCCCGTTGCTCACTGCAGGGAGTAGAGAAGCCAGGGATCAGCG-3'
Protein context (NP_001182192.1, residues 310-330): LSNGVLQQLS[Pro320Ser]ASESSSSVSS

ClinVar aggregate classification (germline): Uncertain significance (1 of 4 stars; one submission).

Allele frequency attached by ClinVar (database versions not stated): gnomAD 0.00001; gnomAD exomes 0.00002 and 0.00009; TOPMed 0.00003; 1000 Genomes Project 30x 0.00016; ExAC 0.00017.

Submission:

Labcorp Genetics (formerly Invitae), Labcorp
Classification: Uncertain significance. Last evaluated: 2023-10-03. Review status: criteria provided, single submitter. Criteria: Invitae Variant Classification Sherloc (09022015). Collection method: clinical testing. Allele origin: germline.
Comment: This sequence change replaces proline, which is neutral and non-polar, with serine, which is neutral and polar, at codon 320 of the PDZD7 protein (p.Pro320Ser). This variant is present in population databases (rs760413315, gnomAD 0.04%). This variant has not been reported in the literature in individuals affected with PDZD7-related conditions. ClinVar contains an entry for this variant (Variation ID: 1505706). Advanced modeling of protein sequence and biophysical properties (such as structural, functional, and spatial information, amino acid conservation, physicochemical variation, residue mobility, and thermodynamic stability) performed at Invitae indicates that this missense variant is not expected to disrupt PDZD7 protein function. In summary, the available evidence is currently insufficient to determine the role of this variant in disease. Therefore, it has been classified as a Variant of Uncertain Significance.